The following is an entry in ClinVar:

NM_001365999.1(SZT2):c.6935C>T (p.Ala2312Val)

Gene: SZT2 (SZT2 subunit of KICSTOR complex; plus strand). Cytogenetic location: 1p34.2.
Variant type: single nucleotide variant.
Coding change: c.6935C>T on transcript NM_001365999.1 (MANE Select); coding-DNA position 6935, C replaced by T.
Protein change: p.Ala2312Val; replaces alanine 2312 with valine.
Molecular consequence: missense variant.
Genome position (GRCh38, 1-based): chr1:43,439,662, C>T. VCF-style: chr1-43439662-C-T. GRCh37 (hg19) VCF-style: chr1-43905333-C-T.
Other names: c.6764C>T, p.Ala2255Val (NM_015284.4); short protein forms A2255V, A2312V.
Identifiers: ClinVar variation 936300 (VCV000936300.9), dbSNP rs148946571, ClinGen allele CA810059.

ClinVar aggregate classification (germline): Uncertain significance. Review status: criteria provided, multiple submitters, no conflicts (2 of 4 stars). 2 submissions from 2 submitters: Uncertain significance (2). Last evaluated 2024-07-02.

Conditions:
Inborn genetic diseases. Identifiers: MedGen C0950123, MeSH D030342.

Allele frequency attached by ClinVar (database versions not stated): gnomAD exomes 0.00002 and 0.00003; ExAC 0.00003; gnomAD 0.00003 and 0.00004; TOPMed 0.00003; ESP Exome Variant Server 0.00008.
gnomAD v4.1: 31 of 1,613,364 alleles (0.0019%); highest among the groups gnomAD compares: East Asian, 0.018%; no homozygotes.

Submissions (2):

Ambry Genetics
Classification: Uncertain significance for Inborn genetic diseases. Last evaluated: 2024-07-02. Review status: criteria provided, single submitter. Criteria: Ambry Variant Classification Scheme 2023. Collection method: clinical testing. Allele origin: germline.

Labcorp Genetics (formerly Invitae), Labcorp
Classification: Uncertain significance. Last evaluated: 2020-09-09. Review status: criteria provided, single submitter. Criteria: Invitae Variant Classification Sherloc (09022015). Collection method: clinical testing. Allele origin: germline.
Comment: In summary, the available evidence is currently insufficient to determine the role of this variant in disease. Therefore, it has been classified as a Variant of Uncertain Significance. Algorithms developed to predict the effect of missense changes on protein structure and function (SIFT, PolyPhen-2, Align-GVGD) all suggest that this variant is likely to be tolerated, but these predictions have not been confirmed by published functional studies and their clinical significance is uncertain. This variant has not been reported in the literature in individuals with SZT2-related conditions. This variant is present in population databases (rs148946571, ExAC 0.01%). This sequence change replaces alanine with valine at codon 2255 of the SZT2 protein (p.Ala2255Val). The alanine residue is highly conserved and there is a small physicochemical difference between alanine and valine.